The following is an entry in ClinVar:

NM_000238.4(KCNH2):c.2676_2680dup (p.Arg894fs)

Gene: KCNH2 (potassium voltage-gated channel subfamily H member 2; minus strand). Cytogenetic location: 7q36.1.
Variant type: Duplication.
Coding change: c.2676_2680dup on transcript NM_000238.4 (MANE Select); coding-DNA positions 2676 to 2680, 5 bases duplicated (CAGGC; older notation c.2676_2680dupCAGGC).
Protein change: p.Arg894fs; shifts the reading frame from arginine 894.
Molecular consequence: frameshift variant.
Genome position (GRCh38, 1-based): chr7:150,948,456-150,948,460, GCCTG duplicated on the plus strand (CAGGC on the coding strand, the reverse complement: KCNH2 is on the minus strand). VCF-style (leftmost placement, unchanged base first): chr7-150948455-C-CGCCTG. GRCh37 (hg19) VCF-style: chr7-150645543-C-CGCCTG.
Other names: c.1656_1660dup, p.Arg554fs (NM_172057.3); short protein forms R554fs, R894fs.
Identifiers: ClinVar variation 1072580 (VCV001072580.9), dbSNP rs2116937619, ClinGen allele CA2499218792.

ClinVar aggregate classification (germline): Pathogenic (1 of 4 stars; one submission).

Conditions:
Long QT syndrome (LQTS). Identifiers: MedGen C0023976, MeSH D008133, MONDO:0002442. Disease mechanism: loss of function. Inheritance: Various modes of inheritance.

Submission:

Labcorp Genetics (formerly Invitae), Labcorp
Classification: Pathogenic for Long QT syndrome. Last evaluated: 2021-06-08. Review status: criteria provided, single submitter. Criteria: Invitae Variant Classification Sherloc (09022015). Collection method: clinical testing. Allele origin: germline.
Comment: This sequence change creates a premature translational stop signal (p.Arg894Profs*82) in the KCNH2 gene. It is expected to result in an absent or disrupted protein product. This variant is not present in population databases (ExAC no frequency). This variant has been observed in individual(s) referred for testing for long QT syndrome (PMID: 19716085). This variant is also known as c.2681_2685dupCAGGC, R893fs+81X*. ClinVar contains an entry for this variant (Variation ID: 1072580). Algorithms developed to predict the effect of sequence changes on RNA splicing suggest that this variant may create or strengthen a splice site, but this prediction has not been confirmed by published transcriptional studies. Loss-of-function variants in KCNH2 are known to be pathogenic (PMID: 10973849, 19862833). For these reasons, this variant has been classified as Pathogenic.

Literature cited by the submitters: PubMed 19716085; PubMed 10973849; PubMed 19862833.